The following is an entry in ClinVar:

NM_032603.5(LOXL3):c.1940A>T (p.Asp647Val)

Gene: LOXL3 (lysyl oxidase like 3; minus strand). Cytogenetic location: 2p13.1.
Variant type: single nucleotide variant.
Coding change: c.1940A>T on transcript NM_032603.5 (MANE Select); coding-DNA position 1940, A replaced by T.
Protein change: p.Asp647Val; replaces aspartic acid 647 with valine.
Molecular consequence: missense variant.
Genome position (GRCh38, 1-based): chr2:74,534,236, T>A on the plus strand (A>T on the coding strand, the complement: LOXL3 is on the minus strand). VCF-style: chr2-74534236-T-A. GRCh37 (hg19) VCF-style: chr2-74761363-T-A.
Other names: c.1505A>T, p.Asp502Val (NM_001289164.3); c.857A>T, p.Asp286Val (NM_001289165.2); short protein forms D502V, D647V, D286V.
Identifiers: ClinVar variation 1521857 (VCV001521857.6), dbSNP rs1288911326, ClinGen allele CA347384545.

ClinVar aggregate classification (germline): Uncertain significance (1 of 4 stars; one submission).

Submission:

Labcorp Genetics (formerly Invitae), Labcorp
Classification: Uncertain significance. Last evaluated: 2022-06-27. Review status: criteria provided, single submitter. Criteria: Invitae Variant Classification Sherloc (09022015). Collection method: clinical testing. Allele origin: germline.
Comment: In summary, the available evidence is currently insufficient to determine the role of this variant in disease. Therefore, it has been classified as a Variant of Uncertain Significance. Algorithms developed to predict the effect of sequence changes on RNA splicing suggest that this variant may disrupt the consensus splice site. Algorithms developed to predict the effect of missense changes on protein structure and function are either unavailable or do not agree on the potential impact of this missense change (SIFT: "Deleterious"; PolyPhen-2: "Benign"; Align-GVGD: "Class C0"). This variant has not been reported in the literature in individuals affected with LOXL3-related conditions. This variant is not present in population databases (gnomAD no frequency). This sequence change replaces aspartic acid, which is acidic and polar, with valine, which is neutral and non-polar, at codon 647 of the LOXL3 protein (p.Asp647Val).